The following is an entry in ClinVar:

NM_001170629.2(CHD8):c.5999G>A (p.Arg2000His)

Gene: CHD8 (chromodomain helicase DNA binding protein 8; minus strand). Cytogenetic location: 14q11.2.
Variant type: single nucleotide variant.
Coding change: c.5999G>A on transcript NM_001170629.2 (MANE Select); coding-DNA position 5999, G replaced by A.
Protein change: p.Arg2000His; replaces arginine 2000 with histidine.
Molecular consequence: missense variant.
Genome position (GRCh38, 1-based): chr14:21,393,796, C>T on the plus strand (G>A on the coding strand, the complement: CHD8 is on the minus strand). VCF-style: chr14-21393796-C-T. GRCh37 (hg19) VCF-style: chr14-21861955-C-T.
Other names: c.5162G>A, p.Arg1721His (NM_020920.4); short protein forms R2000H, R1721H.
Identifiers: ClinVar variation 2890058 (VCV002890058.3), dbSNP rs768658564, ClinGen allele CA7090854.
Genomic context (GRCh38, chr14:21,393,796, plus strand): 5'-TCCAGACTGGGGACCTGGGTAGCTGTCTCCTCGGGTGACTTTTCAACAGGAGCATCTGGG[C>T]GCAGGGGCAGTGGTGAGGCAGTGCGTGAGGTATACTGCTGGTGCAGCAGTGGAGTAGAGC-3'
Protein context (NP_001164100.1, residues 1990-2010): TSRTASPLPL[Arg2000His]PDAPVEKSPE

ClinVar aggregate classification (germline): Uncertain significance (1 of 4 stars; one submission).

Allele frequency attached by ClinVar (database versions not stated): gnomAD 0.00001; gnomAD exomes 0.00001; TOPMed 0.00001; ExAC 0.00002.
gnomAD v4.1: 15 of 1,613,698 alleles (0.00093%); highest among the groups gnomAD compares: South Asian, 0.0044%; no homozygotes.

Submission:

Labcorp Genetics (formerly Invitae), Labcorp
Classification: Uncertain significance. Last evaluated: 2024-04-09. Review status: criteria provided, single submitter. Criteria: Invitae Variant Classification Sherloc (09022015). Collection method: clinical testing. Allele origin: germline.
Comment: This sequence change replaces arginine, which is basic and polar, with histidine, which is basic and polar, at codon 2000 of the CHD8 protein (p.Arg2000His). This variant is present in population databases (rs768658564, gnomAD 0.01%). This variant has not been reported in the literature in individuals affected with CHD8-related conditions. Advanced modeling of protein sequence and biophysical properties (such as structural, functional, and spatial information, amino acid conservation, physicochemical variation, residue mobility, and thermodynamic stability) performed at Invitae indicates that this missense variant is not expected to disrupt CHD8 protein function with a negative predictive value of 80%. In summary, the available evidence is currently insufficient to determine the role of this variant in disease. Therefore, it has been classified as a Variant of Uncertain Significance.